The following is an entry in ClinVar:

ClinVar aggregate classification (germline): Pathogenic/Likely pathogenic. Review status: criteria provided, multiple submitters, no conflicts (2 of 4 stars). 3 submissions from 3 submitters: Pathogenic (2); Likely pathogenic (1). Last evaluated 2025-05-22.

Conditions:
Hereditary cancer-predisposing syndrome. Also called: Hereditary Cancer Syndrome; Tumor predisposition; Neoplastic Syndromes, Hereditary; Hereditary neoplastic syndrome. Identifiers: Orphanet 140162, MedGen C0027672, MeSH D009386, MONDO:0015356.
Hereditary pheochromocytoma and paraganglioma. Also called: Hereditary pheochromocytoma-paraganglioma; Hereditary paragangliomas and pheochromocytomas; Hereditary Paraganglioma-Pheochromocytoma Syndromes. Identifiers: Orphanet 29072, MedGen C4274332, MONDO:0017366.

Submissions (3):

Ambry Genetics
Classification: Pathogenic for Hereditary cancer-predisposing syndrome. Last evaluated: 2025-05-22. Review status: criteria provided, single submitter. Criteria: Ambry Variant Classification Scheme 2023. Collection method: clinical testing. Allele origin: germline.
Comment: The c.370A>T (p.K124*) alteration, located in exon 3 (coding exon 2) of the TMEM127 gene, consists of a A to T substitution at nucleotide position 370. This changes the amino acid from a lysine (K) to a stop codon at amino acid position 124. This variant is not expected to trigger nonsense-mediated mRNA decay, and impacts the last 48% of the protein. However, premature stop codons are typically deleterious in nature and a significant portion of the protein is affected (Ambry internal data). This variant was not reported in population-based cohorts in the Genome Aggregation Database (gnomAD). Based on the available evidence, this alteration is classified as pathogenic.

Clinical Genetics Laboratory, Skane University Hospital Lund
Classification: Likely pathogenic. Last evaluated: 2022-05-27. Review status: criteria provided, single submitter. Criteria: ACMG Guidelines, 2015. Collection method: clinical testing. Allele origin: germline. Affected: yes.

Labcorp Genetics (formerly Invitae), Labcorp
Classification: Pathogenic for Hereditary Paraganglioma-Pheochromocytoma Syndromes. Last evaluated: 2019-02-08. Review status: criteria provided, single submitter. Criteria: Invitae Variant Classification Sherloc (09022015). Collection method: clinical testing. Allele origin: germline.
Comment: This sequence change results in a premature translational stop signal in the TMEM127 gene (p.Lys124*). While this is not anticipated to result in nonsense mediated decay, it is expected to disrupt the last 115 amino acids of the TMEM127 protein. This variant is not present in population databases (ExAC no frequency). This variant has not been reported in the literature in individuals with TMEM127-related conditions. This variant disrupts the C-terminus of the TMEM127 protein. Other variant(s) that disrupt this region (p.Gln157*, p.Gln159*) have been determined to be pathogenic (PMID: 22419703, 20154675, Invitae). This suggests that variants that disrupt this region of the protein are likely to be causative of disease. For these reasons, this variant has been classified as Pathogenic.

Literature cited by the submitters: PubMed 22419703 (cited by Labcorp Genetics (formerly Invitae), Labcorp); PubMed 20154675 (cited by Labcorp Genetics (formerly Invitae), Labcorp).

NM_017849.4(TMEM127):c.370A>T (p.Lys124Ter)

Gene: TMEM127 (transmembrane protein 127; minus strand). Cytogenetic location: 2q11.2.
Variant type: single nucleotide variant.
Coding change: c.370A>T on transcript NM_017849.4 (MANE Select); coding-DNA position 370, A replaced by T.
Protein change: p.Lys124Ter; replaces lysine 124 with a stop codon.
Molecular consequence: nonsense.
Genome position (GRCh38, 1-based): chr2:96,254,872, T>A on the plus strand (A>T on the coding strand, the complement: TMEM127 is on the minus strand). VCF-style: chr2-96254872-T-A. GRCh37 (hg19) VCF-style: chr2-96920610-T-A.
Other names: c.370A>T, p.Lys124Ter (NM_001193304.3); short protein forms K124*.
Identifiers: ClinVar variation 834781 (VCV000834781.3), dbSNP rs1684169953, ClinGen allele CA347653323.